The following is an entry in ClinVar:

ClinVar aggregate classification (germline): Uncertain significance (1 of 4 stars; one submission).

Conditions:
Branchiooculofacial syndrome (BOFS). Also called: BOF SYNDROME; Branchio-Oculo-Facial Syndrome; HEMANGIOMATOUS BRANCHIAL CLEFTS-LIP PSEUDOCLEFT SYNDROME; LIP PSEUDOCLEFT-HEMANGIOMATOUS BRANCHIAL CYST SYNDROME. Identifiers: Orphanet 1297, MedGen C0376524, MeSH D019280, MONDO:0007235, OMIM 113620.

Submission:

Clinical Genomics Laboratory, Washington University in St. Louis
Classification: Uncertain significance for Branchiooculofacial syndrome. Last evaluated: 2026-01-29. Review status: criteria provided, single submitter. Criteria: ACMG Guidelines, 2015. Collection method: clinical testing. Allele origin: germline.
Comment: The TFAP2A c.665T>C (p.Leu222Pro) variant, to our knowledge, has not been reported in the medical literature and is absent from the general population (gnomAD v4.1.0), indicating it is not a common variant. This variant occurs immediately upstream of a region enriched for pathogenic variation and depleted of benign missense variation (perviewer), and computational predictors indicate that the variant is damaging, evidence that correlates with impact on TFAP2A function. Due to limited information, and based on ACMG/AMP guidelines for variant interpretation (Richards S et al., PMID: 25741868), the clinical significance of this variant is uncertain at this time.

NM_001372066.1(TFAP2A):c.665T>C (p.Leu222Pro)

Genes: TFAP2A (transcription factor AP-2 alpha; minus strand), TFAP2A-AS2 (TFAP2A antisense RNA 2; plus strand), LOC121740638 (BRD4-independent group 4 enhancer GRCh37_chr6:10403277-10404476; plus strand). Cytogenetic location: 6p24.3.
Variant type: single nucleotide variant.
Coding change: c.665T>C on transcript NM_001372066.1 (MANE Select); coding-DNA position 665, T replaced by C.
Protein change: p.Leu222Pro; replaces leucine 222 with proline.
Molecular consequence: missense variant. On other transcripts: non-coding transcript variant (1).
Genome position (GRCh38, 1-based): chr6:10,404,613, A>G on the plus strand (T>C on the coding strand, the complement: TFAP2A is on the minus strand). VCF-style: chr6-10404613-A-G. GRCh37 (hg19) VCF-style: chr6-10404846-A-G.
Other names: c.641T>C, p.Leu214Pro (NM_001032280.3); c.647T>C, p.Leu216Pro (NM_001042425.3); short protein forms L214P, L216P, L222P.
Identifiers: ClinVar variation 4879487 (VCV004879487.1).